The following is an entry in ClinVar:

NM_000789.4(ACE):c.2483T>C (p.Met828Thr)

Gene: ACE (angiotensin I converting enzyme; plus strand). Cytogenetic location: 17q23.3.
Variant type: single nucleotide variant.
Coding change: c.2483T>C on transcript NM_000789.4 (MANE Select); coding-DNA position 2483, T replaced by C.
Protein change: p.Met828Thr; replaces methionine 828 with threonine.
Molecular consequence: missense variant.
Genome position (GRCh38, 1-based): chr17:63,488,974, T>C. VCF-style: chr17-63488974-T-C. GRCh37 (hg19) VCF-style: chr17-61566335-T-C.
Other names: c.761T>C, p.Met254Thr (NM_001178057.2, NM_152830.3); short protein forms M828T, M254T.
Identifiers: ClinVar variation 324396 (VCV000324396.14), dbSNP rs13306091, ClinGen allele CA8700133.

ClinVar aggregate classification (germline): Conflicting classifications of pathogenicity. Review status: criteria provided, conflicting classifications (1 of 4 stars). 3 submissions from 3 submitters: Uncertain significance (2); Likely benign (1). Last evaluated 2024-06-06.

Conditions:
Renal tubular dysgenesis. Also called: Renotubular dysgenesis. Identifiers: Orphanet 3033, MedGen C0266313, MONDO:0017609, HP:0008660.
Microvascular complications of diabetes, susceptibility to, 3. Identifiers: MedGen C2675470, MONDO:0012963, OMIM 612624.
Hemorrhage, intracerebral, susceptibility to (ICH). Also called: Stroke, hemorrhagic, susceptibility to. Identifiers: MedGen C3281105, MONDO:0100533, OMIM 614519.
Renal tubular dysgenesis of genetic origin. Also called: PRIMITIVE RENAL TUBULE SYNDROME. Identifiers: Orphanet 97369, MedGen C5681536, MONDO:0009970, OMIM 267430.

Allele frequency attached by ClinVar (database versions not stated): gnomAD exomes 0.00008 and 0.00080; TOPMed 0.00011; gnomAD 0.00012 and 0.00028; ExAC 0.00014; 1000 Genomes Project 30x 0.00109; 1000 Genomes Project 0.00140.
gnomAD v4.1: 1,179 of 1,614,188 alleles (0.073%); highest among the groups gnomAD compares: East Asian, 2.6%; 39 homozygotes.

Submissions (3):

Fulgent Genetics
Classification: Likely benign for Renal tubular dysgenesis of genetic origin; Microvascular complications of diabetes, susceptibility to, 3; Hemorrhage, intracerebral, susceptibility to. Last evaluated: 2024-06-06. Review status: criteria provided, single submitter. Criteria: ACMG Guidelines, 2015. Collection method: clinical testing. Allele origin: germline.

Labcorp Genetics (formerly Invitae), Labcorp
Classification: Uncertain significance. Last evaluated: 2023-07-17. Review status: criteria provided, single submitter. Criteria: Invitae Variant Classification Sherloc (09022015). Collection method: clinical testing. Allele origin: germline.
Comment: Advanced modeling of protein sequence and biophysical properties (such as structural, functional, and spatial information, amino acid conservation, physicochemical variation, residue mobility, and thermodynamic stability) performed at Invitae indicates that this missense variant is not expected to disrupt ACE protein function. In summary, the available evidence is currently insufficient to determine the role of this variant in disease. Therefore, it has been classified as a Variant of Uncertain Significance. ClinVar contains an entry for this variant (Variation ID: 324396). This variant has not been reported in the literature in individuals affected with ACE-related conditions. This variant is present in population databases (rs13306091, gnomAD 0.1%). This sequence change replaces methionine, which is neutral and non-polar, with threonine, which is neutral and polar, at codon 828 of the ACE protein (p.Met828Thr).

Illumina Laboratory Services, Illumina
Classification: Uncertain significance for Renal tubular dysgenesis of genetic origin. Last evaluated: 2018-01-13. Review status: criteria provided, single submitter. Criteria: ICSL Variant Classification Criteria 13 December 2019. Collection method: clinical testing. Allele origin: germline.